The following is an entry in ClinVar:

ClinVar aggregate classification (germline): Uncertain significance (1 of 4 stars; one submission).

Conditions:
Gastrointestinal stromal tumor. Also called: Gastrointestinal stromal tumor, somatic; Gastrointestinal stroma tumor. Identifiers: Orphanet 44890, MedGen C0238198, MeSH D046152, MONDO:0011719, OMIM 606764, HP:0100723.

Allele frequency attached by ClinVar (database versions not stated): gnomAD exomes below 0.00001.

Submission:

Labcorp Genetics (formerly Invitae), Labcorp
Classification: Uncertain significance for Gastrointestinal stromal tumor. Last evaluated: 2023-10-14. Review status: criteria provided, single submitter. Criteria: Invitae Variant Classification Sherloc (09022015). Collection method: clinical testing. Allele origin: germline.
Comment: This sequence change replaces tyrosine, which is neutral and polar, with phenylalanine, which is neutral and non-polar, at codon 555 of the PDGFRA protein (p.Tyr555Phe). This variant is not present in population databases (gnomAD no frequency). This variant has not been reported in the literature in individuals affected with PDGFRA-related conditions. Advanced modeling of protein sequence and biophysical properties (such as structural, functional, and spatial information, amino acid conservation, physicochemical variation, residue mobility, and thermodynamic stability) has been performed at Invitae for this missense variant, however the output from this modeling did not meet the statistical confidence thresholds required to predict the impact of this variant on PDGFRA protein function. This variant disrupts the p.Tyr555 amino acid residue in PDGFRA. Other variant(s) that disrupt this residue have been determined to be pathogenic (PMID: 17087943; Invitae). This suggests that this residue is clinically significant, and that variants that disrupt this residue are likely to be disease-causing. In summary, the available evidence is currently insufficient to determine the role of this variant in disease. Therefore, it has been classified as a Variant of Uncertain Significance.

Literature cited by the submitters: PubMed 17087943.

NM_006206.6(PDGFRA):c.1664A>T (p.Tyr555Phe)

Gene: PDGFRA (platelet derived growth factor receptor alpha; plus strand). Cytogenetic location: 4q12.
Variant type: single nucleotide variant.
Coding change: c.1664A>T on transcript NM_006206.6 (MANE Select); coding-DNA position 1664, A replaced by T.
Protein change: p.Tyr555Phe; replaces tyrosine 555 with phenylalanine.
Molecular consequence: missense variant.
Genome position (GRCh38, 1-based): chr4:54,274,851, A>T. VCF-style: chr4-54274851-A-T. GRCh37 (hg19) VCF-style: chr4-55141018-A-T.
Other names: c.1664A>T, p.Tyr555Phe (NM_001347827.2, NM_001347829.2); c.1739A>T, p.Tyr580Phe (NM_001347828.2); c.1703A>T, p.Tyr568Phe (NM_001347830.2); short protein forms Y580F, Y555F, Y568F.
Identifiers: ClinVar variation 2917449 (VCV002917449.3), dbSNP rs121908589, ClinGen allele CA356893037.